The following is an entry in ClinVar:

ClinVar aggregate classification (germline): Benign/Likely benign. Review status: criteria provided, multiple submitters, no conflicts (2 of 4 stars). 6 submissions from 6 submitters: Benign (1); Likely benign (5). Last evaluated 2026-01-28.

Conditions:
Inborn genetic diseases. Identifiers: MedGen C0950123, MeSH D030342.
Intellectual developmental disorder, autosomal dominant 6, with or without seizures. Also called: Intellectual disability, autosomal dominant 6; GRIN2B-related developmental delay, intellectual disability and autism spectrum disorder. Identifiers: Orphanet 589547, MedGen C3151411, MONDO:0013509, OMIM 613970.
Developmental and epileptic encephalopathy, 27 (DEE27). Also called: Epileptic encephalopathy, early infantile, 27; GRIN2B-Related Neurodevelopmental Disorder. Identifiers: Orphanet 3451, MedGen C4015316, MONDO:0014505, OMIM 616139.

Allele frequency attached by ClinVar (database versions not stated): TOPMed 0.00007; ESP Exome Variant Server 0.00008; gnomAD 0.00011.
gnomAD v4.1: 110 of 1,613,962 alleles (0.0068%); highest among the groups gnomAD compares: Middle Eastern, 0.016%; no homozygotes.

Submissions (6):

Labcorp Genetics (formerly Invitae), Labcorp
Classification: Benign for Developmental and epileptic encephalopathy, 27; Intellectual developmental disorder, autosomal dominant 6, with or without seizures. Last evaluated: 2026-01-28. Review status: criteria provided, single submitter. Criteria: Invitae Variant Classification Sherloc (09022015). Collection method: clinical testing. Allele origin: germline.

Athena Diagnostics
Classification: Likely benign. Last evaluated: 2024-11-13. Review status: criteria provided, single submitter. Criteria: Athena Diagnostics Criteria. Collection method: clinical testing. Allele origin: unknown.

CeGaT Center for Human Genetics Tuebingen
Classification: Likely benign. Last evaluated: 2024-08-01. Review status: criteria provided, single submitter. Criteria: CeGaT Center For Human Genetics Tuebingen Variant Classification Criteria Version 2. Collection method: clinical testing. Allele origin: germline. Affected: yes. Observed: 3 variant alleles.
Comment: GRIN2B: PP2, BS2

Blueprint Genetics
Classification: Likely benign. Last evaluated: 2024-05-22. Review status: criteria provided, single submitter. Criteria: ACMG Guidelines, 2015. Collection method: clinical testing. Allele origin: germline.

GeneDx
Classification: Likely benign. Last evaluated: 2019-04-15. Review status: criteria provided, single submitter. Criteria: GeneDx Variant Classification Process June 2021. Collection method: clinical testing. Allele origin: germline. Affected: yes.
Comment: This variant is associated with the following publications: (PMID: 21559497)

Ambry Genetics
Classification: Likely benign for Inborn genetic diseases. Last evaluated: 2018-01-31. Review status: criteria provided, single submitter. Criteria: Ambry Variant Classification Scheme 2023. Collection method: clinical testing. Allele origin: germline.

NM_000834.5(GRIN2B):c.190G>A (p.Val64Met)

Gene: GRIN2B (glutamate ionotropic receptor NMDA type subunit 2B; minus strand). Cytogenetic location: 12p13.1.
Variant type: single nucleotide variant.
Coding change: c.190G>A on transcript NM_000834.5 (MANE Select); coding-DNA position 190, G replaced by A.
Protein change: p.Val64Met; replaces valine 64 with methionine.
Molecular consequence: missense variant.
Genome position (GRCh38, 1-based): chr12:13,866,019, C>T on the plus strand (G>A on the coding strand, the complement: GRIN2B is on the minus strand). VCF-style: chr12-13866019-C-T. GRCh37 (hg19) VCF-style: chr12-14018953-C-T.
Other names: p.V64M:GTG>ATG; short protein forms V64M.
Identifiers: ClinVar variation 205707 (VCV000205707.56), dbSNP rs150070901, ClinGen allele CA315042.